The following is an entry in ClinVar:

ClinVar aggregate classification (germline): Uncertain significance. Review status: criteria provided, multiple submitters, no conflicts (2 of 4 stars). 3 submissions from 3 submitters: Uncertain significance (3). Last evaluated 2025-06-09.

Conditions:
Long QT syndrome (LQTS). Identifiers: MedGen C0023976, MeSH D008133, MONDO:0002442. Disease mechanism: loss of function. Inheritance: Various modes of inheritance.
Cardiovascular phenotype. Identifiers: MedGen CN230736.

Allele frequency attached by ClinVar (database versions not stated): ESP Exome Variant Server 0.00008; TOPMed 0.00002; gnomAD exomes 0.00001.
gnomAD v4.1: 3 of 1,613,554 alleles (0.00019%); highest among the groups gnomAD compares: Non-Finnish European, 0.00025%; no homozygotes.

Submissions (3):

Ambry Genetics
Classification: Uncertain significance for Cardiovascular phenotype. Last evaluated: 2025-06-09. Review status: criteria provided, single submitter. Criteria: Ambry Variant Classification Scheme 2023. Collection method: clinical testing. Allele origin: germline.
Comment: The p.N3607S variant (also known as c.10820A>G), located in coding exon 40 of the ANK2 gene, results from an A to G substitution at nucleotide position 10820. The asparagine at codon 3607 is replaced by serine, an amino acid with highly similar properties. This amino acid position is highly conserved in available vertebrate species. In addition, the in silico prediction for this alteration is inconclusive. Since supporting evidence is limited at this time, the clinical significance of this alteration remains unclear.

Labcorp Genetics (formerly Invitae), Labcorp
Classification: Uncertain significance for Long QT syndrome. Last evaluated: 2024-02-27. Review status: criteria provided, single submitter. Criteria: Invitae Variant Classification Sherloc (09022015). Collection method: clinical testing. Allele origin: germline.
Comment: This sequence change replaces asparagine, which is neutral and polar, with serine, which is neutral and polar, at codon 3607 of the ANK2 protein (p.Asn3607Ser). This variant is not present in population databases (gnomAD no frequency). This variant has not been reported in the literature in individuals affected with ANK2-related conditions. ClinVar contains an entry for this variant (Variation ID: 190575). Advanced modeling of protein sequence and biophysical properties (such as structural, functional, and spatial information, amino acid conservation, physicochemical variation, residue mobility, and thermodynamic stability) performed at Invitae indicates that this missense variant is not expected to disrupt ANK2 protein function with a negative predictive value of 80%. In summary, the available evidence is currently insufficient to determine the role of this variant in disease. Therefore, it has been classified as a Variant of Uncertain Significance.

GeneDx
Classification: Uncertain significance. Last evaluated: 2014-05-18. Review status: criteria provided, single submitter. Criteria: GeneDx Variant Classification (06012015). Collection method: clinical testing. Allele origin: germline. Affected: yes.
Comment: p.Asn3607Ser (AAC>AGC): c.10820 A>G in exon 40 of the ANK2 gene (NM_001148.4). The N3607S variant has not been published as a mutation or reported as a benign polymorphism to our knowledge. The N3607S variant was not observed with any significant frequency in approximately 6,500 individuals of European and African American ancestry in the NHLBI Exome Sequencing Project, indicating it is not a common benign variant in these populations. Although, the N3607S variant is a conservative amino acid substitution, which is not likely to impact secondary protein structure as these residues share similar properties; the N3607 residue is conserved across species. In silico analysis predicts this variant is probably damaging to the protein structure/function. Nevertheless, no mutations in nearby residues have been reported in association with LQTS. Therefore, based on the currently available information, it is unclear whether this variant is a pathogenic mutation or a rare benign variant. The variant is found in LQT panel(s).

NM_001148.6(ANK2):c.10820A>G (p.Asn3607Ser)

Gene: ANK2 (ankyrin 2; plus strand). Cytogenetic location: 4q26.
Variant type: single nucleotide variant.
Coding change: c.10820A>G on transcript NM_001148.6 (MANE Select); coding-DNA position 10820, A replaced by G.
Protein change: p.Asn3607Ser; replaces asparagine 3607 with serine.
Molecular consequence: missense variant.
Genome position (GRCh38, 1-based): chr4:113,363,401, A>G. VCF-style: chr4-113363401-A-G. GRCh37 (hg19) VCF-style: chr4-114284557-A-G.
Other names: p.N3607S:AAC>AGC; c.4538A>G, p.Asn1513Ser (NM_001127493.3); c.4577A>G, p.Asn1526Ser (NM_001354225.2); c.4466A>G, p.Asn1489Ser (NM_001354228.2, NM_001354258.2); c.4544A>G, p.Asn1515Ser (NM_001354230.2); c.4607A>G, p.Asn1536Ser (NM_001354231.2, NM_001354242.2); c.4601A>G, p.Asn1534Ser (NM_001354232.2); c.4562A>G, p.Asn1521Ser (NM_001354235.2, NM_001354246.2, NM_001354265.2); and 36 more; short protein forms N1513S, N3607S, N1444S, N1447S, N1451S, N1468S, N1475S, N1479S.
Identifiers: ClinVar variation 190575 (VCV000190575.9), dbSNP rs367788127, ClinGen allele CA300928.